The following is an entry in ClinVar:

NM_144672.4(OTOA):c.523G>A (p.Glu175Lys)

Gene: OTOA (otoancorin). Cytogenetic location: 16p12.2.
Variant type: single nucleotide variant.
Coding change: c.523G>A on transcript NM_144672.4 (MANE Select); coding-DNA position 523, G replaced by A.
Protein change: p.Glu175Lys; replaces glutamic acid 175 with lysine.
Molecular consequence: missense variant.
Genome position (GRCh38, 1-based): chr16:21,687,536, G>A. VCF-style: chr16-21687536-G-A. GRCh37 (hg19) VCF-style: chr16-21698857-G-A.
Other names: c.286G>A, p.Glu96Lys (NM_001161683.2); short protein forms E175K, E96K.
Identifiers: ClinVar variation 1710740 (VCV001710740.2), dbSNP rs1391328541, ClinGen allele CA395055577.

ClinVar aggregate classification (germline): Uncertain significance (1 of 4 stars; one submission).

Allele frequency attached by ClinVar (database versions not stated): gnomAD exomes 0.00001; TOPMed 0.00001.
gnomAD v4.1: 6 of 1,614,120 alleles (0.00037%); highest among the groups gnomAD compares: Admixed American, 0.0067%; no homozygotes.

Submission:

GeneDx
Classification: Uncertain significance. Last evaluated: 2022-10-12. Review status: criteria provided, single submitter. Criteria: GeneDx Variant Classification Process June 2021. Collection method: clinical testing. Allele origin: germline. Affected: yes.
Comment: In silico analysis supports that this missense variant does not alter protein structure/function; Has not been previously published as pathogenic or benign to our knowledge